The following is an entry in ClinVar:

NM_007294.4(BRCA1):c.488del (p.Arg163fs)

Gene: BRCA1 (BRCA1 DNA repair associated; minus strand). Cytogenetic location: 17q21.31.
Variant type: Deletion.
Coding change: c.488del on transcript NM_007294.4 (MANE Select); coding-DNA position 488, one base deleted (G; older notation c.488delG).
Protein change: p.Arg163fs; shifts the reading frame from arginine 163.
Molecular consequence: frameshift variant. On other transcripts: non-coding transcript variant (1).
Genome position (GRCh38, 1-based): chr17:43,099,834, C deleted on the plus strand (G on the coding strand, the reverse complement: BRCA1 is on the minus strand). VCF-style (leftmost placement, unchanged base first): chr17-43099833-TC-T. GRCh37 (hg19) VCF-style: chr17-41251850-TC-T.
Other names: c.275delG, p.Arg92Lysfs (NM_001407571.1, NM_001407853.1, NM_001407894.1 and 18 more transcripts); c.488delG, p.Arg163Lysfs (NM_001407581.1, NM_001407582.1, NM_001407583.1 and 95 more transcripts); c.485delG, p.Arg162Lysfs (NM_001407587.1, NM_001407590.1, NM_001407591.1 and 65 more transcripts); c.479delG, p.Arg160Lysfs (NM_001407646.1, NM_001407647.1, NM_001408408.1); c.410delG, p.Arg137Lysfs (NM_001407653.1, NM_001407654.1, NM_001407655.1 and 12 more transcripts); c.407delG, p.Arg136Lysfs (NM_001407659.1, NM_001407660.1, NM_001407661.1 and 6 more transcripts); c.347delG, p.Arg116Lysfs (NM_001407692.1, NM_001407694.1, NM_001407695.1 and 60 more transcripts); c.344delG, p.Arg115Lysfs (NM_001407740.1, NM_001407741.1, NM_001407742.1 and 35 more transcripts); and 6 more; short protein forms R163fs, R116fs.
Identifiers: ClinVar variation 55308 (VCV000055308.3), dbSNP rs397509202, ClinGen allele CA003064.

ClinVar aggregate classification (germline): Pathogenic. Review status: reviewed by expert panel (3 of 4 stars). 2 submissions from 2 submitters: Pathogenic (1). 1 of the submissions does not count toward it. Last evaluated 2017-12-15.

Conditions:
Breast-ovarian cancer, familial, susceptibility to, 1 (BROVCA1). Also called: BRCA1 Hereditary Breast and Ovarian Cancer; OVARIAN CANCER, SUSCEPTIBILITY TO. Identifiers: Orphanet 145, MedGen C2676676, MONDO:0011450, OMIM 604370. Disease mechanism: loss of function.
Familial cancer of breast. Also called: hereditary breast carcinoma; BREAST CANCER, FAMILIAL; Hereditary breast cancer. Identifiers: Orphanet 227535, MedGen C0346153, MONDO:0016419, OMIM 114480. Disease mechanism: loss of function.

Submissions (2):

Evidence-based Network for the Interpretation of Germline Mutant Alleles (ENIGMA)
Classification: Pathogenic for Breast-ovarian cancer, familial, susceptibility to, 1. Last evaluated: 2017-12-15. Review status: reviewed by expert panel. Criteria: ENIGMA BRCA1/2 Classification Criteria (2017-06-29). Collection method: curation. Allele origin: germline. Study: ENIGMA.
Comment: Variant allele predicted to encode a truncated non-functional protein.

ClinVar Staff, National Center for Biotechnology Information (NCBI)
No classification provided. Condition: Familial cancer of breast. Review status: no classification provided. Collection method: literature only. Allele origin: germline. Affected: yes. Not counted in ClinVar's aggregate classification.

Literature cited by the submitters: PubMed 12938098 (cited by ClinVar Staff, National Center for Biotechnology Information (NCBI)).